The following is an entry in ClinVar:

NM_002585.4(PBX1):c.61G>A (p.Gly21Ser)

Gene: PBX1 (PBX homeobox 1; plus strand). Cytogenetic location: 1q23.3.
Variant type: single nucleotide variant.
Coding change: c.61G>A on transcript NM_002585.4 (MANE Select); coding-DNA position 61, G replaced by A.
Protein change: p.Gly21Ser; replaces glycine 21 with serine.
Molecular consequence: missense variant. On other transcripts: 5 prime UTR variant (1).
Genome position (GRCh38, 1-based): chr1:164,559,883, G>A. VCF-style: chr1-164559883-G-A. GRCh37 (hg19) VCF-style: chr1-164529120-G-A.
Other names: p.Gly21Ser; c.61G>A, p.Gly21Ser (NM_001204961.2, NM_001204963.2, NM_001353131.2); c.-115G>A (NM_001353130.1); short protein forms G21S.
Identifiers: ClinVar variation 1288942 (VCV001288942.12), dbSNP rs2275558, ClinGen allele CA1219291.

ClinVar aggregate classification (germline): Benign. Review status: criteria provided, multiple submitters, no conflicts (2 of 4 stars). 5 submissions from 5 submitters: Benign (5). Last evaluated 2026-02-04.

Allele frequency attached by ClinVar (database versions not stated): ESP Exome Variant Server 0.13810; gnomAD 0.18917 and 0.20335; TOPMed 0.20941; gnomAD exomes 0.24072 and 0.30441; ExAC 0.29772; 1000 Genomes Project 30x 0.29934; 1000 Genomes Project 0.30731.
gnomAD v4.1: 367,752 of 1,550,066 alleles (24%); highest among the groups gnomAD compares: East Asian, 67%; 51,948 homozygotes.

Submissions (5):

Labcorp Genetics (formerly Invitae), Labcorp
Classification: Benign. Last evaluated: 2026-02-04. Review status: criteria provided, single submitter. Criteria: Invitae Variant Classification Sherloc (09022015). Collection method: clinical testing. Allele origin: germline.

Blueprint Genetics
Classification: Benign. Last evaluated: 2024-11-26. Review status: criteria provided, single submitter. Criteria: ACMG Guidelines, 2015. Collection method: clinical testing. Allele origin: germline.

Mayo Clinic Laboratories, Mayo Clinic
Classification: Benign. Last evaluated: 2022-11-14. Review status: criteria provided, single submitter. Criteria: ACMG Guidelines, 2015. Collection method: clinical testing. Allele origin: germline. Observed: 31 variant alleles.
Comment: BA1

GeneDx
Classification: Benign. Last evaluated: 2020-07-15. Review status: criteria provided, single submitter. Criteria: GeneDx Variant Classification Process June 2021. Collection method: clinical testing. Allele origin: germline. Affected: yes.
Comment: This variant is associated with the following publications: (PMID: 31934099)

Breakthrough Genomics
Classification: Benign. Review status: criteria provided, single submitter. Criteria: ACMG Guidelines, 2015. Collection method: not provided. Allele origin: germline. Inheritance: Autosomal dominant inheritance. Affected: yes.